The following is an entry in ClinVar:

ClinVar aggregate classification (germline): Uncertain significance (1 of 4 stars; one submission).

Conditions:
Lethal multiple pterygium syndrome (LMPS). Identifiers: Orphanet 33108, MedGen C1854678, MONDO:0009668, OMIM 253290.

gnomAD v4.1: 1 of 1,614,158 alleles (0.000062%); highest among the groups gnomAD compares: Non-Finnish European, 0.000085%; no homozygotes.

Submission:

Labcorp Genetics (formerly Invitae), Labcorp
Classification: Uncertain significance for Lethal multiple pterygium syndrome. Last evaluated: 2024-07-08. Review status: criteria provided, single submitter. Criteria: Invitae Variant Classification Sherloc (09022015). Collection method: clinical testing. Allele origin: germline.
Comment: This sequence change replaces methionine, which is neutral and non-polar, with leucine, which is neutral and non-polar, at codon 344 of the CHRNA1 protein (p.Met344Leu). This variant is not present in population databases (gnomAD no frequency). This variant has not been reported in the literature in individuals affected with CHRNA1-related conditions. Advanced modeling of protein sequence and biophysical properties (such as structural, functional, and spatial information, amino acid conservation, physicochemical variation, residue mobility, and thermodynamic stability) performed at Invitae indicates that this missense variant is not expected to disrupt CHRNA1 protein function with a negative predictive value of 80%. In summary, the available evidence is currently insufficient to determine the role of this variant in disease. Therefore, it has been classified as a Variant of Uncertain Significance.

NM_000079.4(CHRNA1):c.1030A>T (p.Met344Leu)

Gene: CHRNA1 (cholinergic receptor nicotinic alpha 1 subunit; minus strand). Cytogenetic location: 2q31.1.
Variant type: single nucleotide variant.
Coding change: c.1030A>T on transcript NM_000079.4 (MANE Select); coding-DNA position 1030, A replaced by T.
Protein change: p.Met344Leu; replaces methionine 344 with leucine.
Molecular consequence: missense variant.
Genome position (GRCh38, 1-based): chr2:174,748,792, T>A on the plus strand (A>T on the coding strand, the complement: CHRNA1 is on the minus strand). VCF-style: chr2-174748792-T-A. GRCh37 (hg19) VCF-style: chr2-175613520-T-A.
Other names: c.1105A>T, p.Met369Leu (NM_001039523.3); short protein forms M369L, M344L.
Identifiers: ClinVar variation 3671784 (VCV003671784.2).